The following is an entry in ClinVar:

NM_001267550.2(TTN):c.59384A>G (p.Glu19795Gly)

Genes: TTN (titin; minus strand), TTN-AS1 (TTN antisense RNA 1; plus strand), LOC126806424 (CDK7 strongly-dependent group 2 enhancer GRCh37_chr2:179456337-179457536; plus strand). Cytogenetic location: 2q31.2.
Variant type: single nucleotide variant.
Coding change: c.59384A>G on transcript NM_001267550.2 (MANE Select); coding-DNA position 59384, A replaced by G.
Protein change: p.Glu19795Gly; replaces glutamic acid 19795 with glycine.
Molecular consequence: missense variant.
Genome position (GRCh38, 1-based): chr2:178,592,621, T>C on the plus strand (A>G on the coding strand, the complement: TTN is on the minus strand). VCF-style: chr2-178592621-T-C. GRCh37 (hg19) VCF-style: chr2-179457348-T-C.
Other names: c.54461A>G, p.Glu18154Gly (NM_001256850.1); c.32189A>G, p.Glu10730Gly (NM_003319.4); c.51680A>G, p.Glu17227Gly (NM_133378.4); c.32564A>G, p.Glu10855Gly (NM_133432.3); c.32765A>G, p.Glu10922Gly (NM_133437.4); short protein forms E17227G, E19795G, E18154G, E10730G, E10855G, E10922G.
Identifiers: ClinVar variation 596016 (VCV000596016.7), dbSNP rs776032119, ClinGen allele CA1992673.
Genomic context (GRCh38, chr2:178,592,621, plus strand): 5'-AATGGCACTCCTTTGATGATGGCACTAAGTCTTAGAGTATCACCAACTTTAATGTGTTGT[T>C]CTCTTGCCATGTTGGCATCAAGAATCAACTCAGGGGGTTCTAGAATAAAGAGAACAGAAC-3'
Protein context (NP_001254479.2, residues 19785-19805): ELILDANMAR[Glu19795Gly]QHIKVGDTLR

ClinVar aggregate classification (germline): Uncertain significance. Review status: criteria provided, multiple submitters, no conflicts (2 of 4 stars). 2 submissions from 2 submitters: Uncertain significance (2). Last evaluated 2018-02-13.

Conditions:
Early-onset myopathy with fatal cardiomyopathy (CMYO5). Also called: CONGENITAL MYOPATHY 5 WITH CARDIOMYOPATHY; Salih Myopathy. Identifiers: Orphanet 289377, MedGen C2673677, MONDO:0012714, OMIM 611705. Disease mechanism: loss of function.

Allele frequency attached by ClinVar (database versions not stated): gnomAD 0.00001; ExAC 0.00002; TOPMed 0.00002; gnomAD exomes below 0.00001.
gnomAD v4.1: 2 of 1,613,220 alleles (0.00012%); highest among the groups gnomAD compares: East Asian, 0.0045%; no homozygotes.

Submissions (2):

Eurofins Ntd Llc (ga)
Classification: Uncertain significance. Last evaluated: 2018-02-13. Review status: criteria provided, single submitter. Criteria: EGL ClinVar v180209 classification definitions. Collection method: clinical testing. Allele origin: germline. Observed: 1 variant allele, 1 heterozygote.

Juno Genomics, Hangzhou Juno Genomics, Inc
Classification: Uncertain significance for Early-onset myopathy with fatal cardiomyopathy. Review status: criteria provided, single submitter. Criteria: ACMG Guidelines, 2015. Collection method: clinical testing. Allele origin: germline.
Comment: Absent from controls (or at extremely low frequency if recessive) in Genome Aggregation Database.